The following is an entry in ClinVar:

NM_001018005.2(TPM1):c.469G>T (p.Asp157Tyr)

Gene: TPM1 (tropomyosin 1; plus strand). Cytogenetic location: 15q22.2.
Variant type: single nucleotide variant.
Coding change: c.469G>T on transcript NM_001018005.2 (MANE Select); coding-DNA position 469, G replaced by T.
Protein change: p.Asp157Tyr; replaces aspartic acid 157 with tyrosine.
Molecular consequence: missense variant.
Genome position (GRCh38, 1-based): chr15:63,059,657, G>T. VCF-style: chr15-63059657-G-T. GRCh37 (hg19) VCF-style: chr15-63351856-G-T.
Other names: c.469G>T (NM_001018005.1); c.469G>T, p.Asp157Tyr (NM_000366.6, NM_001018004.2, NM_001018006.2 and 20 more transcripts); c.361G>T, p.Asp121Tyr (NM_001018008.2, NM_001301289.2, NM_001330344.2 and 9 more transcripts); c.595G>T, p.Asp199Tyr (NM_001365778.1, NM_001407322.1, NM_001407323.1 and 1 more transcripts); short protein forms D199Y, D157Y, D121Y.
Identifiers: ClinVar variation 1897903 (VCV001897903.6), dbSNP rs2542777458, ClinGen allele CA392722419.

ClinVar aggregate classification (germline): Uncertain significance. Review status: criteria provided, multiple submitters, no conflicts (2 of 4 stars). 2 submissions from 2 submitters: Uncertain significance (2). Last evaluated 2026-07-21.

Conditions:
Cardiovascular phenotype. Identifiers: MedGen CN230736.
Hypertrophic cardiomyopathy. Also called: HYPERTROPHIC MYOCARDIOPATHY. Identifiers: Orphanet 217569, MedGen C0007194, MeSH D002312, MONDO:0005045, HP:0001639.

Allele frequency attached by ClinVar (database versions not stated): gnomAD exomes below 0.00001.
gnomAD v4.1: 1 of 1,611,078 alleles (0.000062%); highest among the groups gnomAD compares: Non-Finnish European, 0.000085%; no homozygotes.

Submissions (2):

Ambry Genetics
Classification: Uncertain significance for Cardiovascular phenotype. Last evaluated: 2026-07-21. Review status: criteria provided, single submitter. Criteria: Ambry Variant Classification Scheme 2023. Collection method: clinical testing. Allele origin: germline.
Comment: The p.D157Y variant (also known as c.469G>T), located in coding exon 4 of the TPM1 gene, results from a G to T substitution at nucleotide position 469. The aspartic acid at codon 157 is replaced by tyrosine, an amino acid with highly dissimilar properties. This amino acid position is conserved. In addition, this alteration is predicted to be deleterious by in silico analysis. Based on the available evidence, the clinical significance of this variant remains unclear.

Labcorp Genetics (formerly Invitae), Labcorp
Classification: Uncertain significance for Hypertrophic cardiomyopathy. Last evaluated: 2022-02-18. Review status: criteria provided, single submitter. Criteria: Invitae Variant Classification Sherloc (09022015). Collection method: clinical testing. Allele origin: germline.
Comment: Algorithms developed to predict the effect of missense changes on protein structure and function are either unavailable or do not agree on the potential impact of this missense change (SIFT: "Deleterious"; PolyPhen-2: "Possibly Damaging"; Align-GVGD: "Class C15"). This variant has not been reported in the literature in individuals affected with TPM1-related conditions. This variant is not present in population databases (gnomAD no frequency). This sequence change replaces aspartic acid, which is acidic and polar, with tyrosine, which is neutral and polar, at codon 157 of the TPM1 protein (p.Asp157Tyr). In summary, the available evidence is currently insufficient to determine the role of this variant in disease. Therefore, it has been classified as a Variant of Uncertain Significance.